The following is an entry in ClinVar:

ClinVar aggregate classification (germline): Pathogenic (1 of 4 stars; one submission).

Submission:

Labcorp Genetics (formerly Invitae), Labcorp
Classification: Pathogenic. Last evaluated: 2017-06-19. Review status: criteria provided, single submitter. Criteria: Invitae Variant Classification Sherloc (09022015). Collection method: clinical testing. Allele origin: germline.
Comment: For these reasons, this variant has been classified as Pathogenic. Loss-of-function variants in KMT2A are known to be pathogenic (PMID: 22795537, 25810209). This variant has not been reported in the literature in individuals with KMT2A-related disease. This variant is not present in population databases (ExAC no frequency). This sequence change creates a premature translational stop signal (p.Pro1309Hisfs*47) in the KMT2A gene. It is expected to result in an absent or disrupted protein product.

Literature cited by the submitters: PubMed 22795537; PubMed 25810209.

NM_001197104.2(KMT2A):c.3926del (p.Pro1309fs)

Gene: KMT2A (lysine methyltransferase 2A; plus strand). Cytogenetic location: 11q23.3.
Variant type: Deletion.
Coding change: c.3926del on transcript NM_001197104.2 (MANE Select); coding-DNA position 3926, one base deleted (C; older notation c.3926delC).
Protein change: p.Pro1309fs; shifts the reading frame from proline 1309.
Molecular consequence: frameshift variant.
Genome position (GRCh38, 1-based): chr11:118,482,006, C deleted; the last of 2 consecutive C bases (chr11:118,482,005-118,482,006); deleting either gives the same sequence. VCF-style (leftmost placement, unchanged base first): chr11-118482004-GC-G. GRCh37 (hg19) VCF-style: chr11-118352719-GC-G.
Other names: c.3926del, p.Pro1309fs (NM_005933.4); short protein forms P1309fs.
Identifiers: ClinVar variation 1069875 (VCV001069875.7), dbSNP rs2134301341, ClinGen allele CA2499220787.